The following is an entry in ClinVar:

ClinVar aggregate classification (germline): Uncertain significance (1 of 4 stars; one submission).

Conditions:
Schuurs-Hoeijmakers syndrome. Also called: PACS1-Related Neurodevelopmental Disorder. Identifiers: Orphanet 329224, MedGen C3554343, MONDO:0014006, OMIM 615009.

Submission:

Labcorp Genetics (formerly Invitae), Labcorp
Classification: Uncertain significance for Schuurs-Hoeijmakers syndrome. Last evaluated: 2025-04-02. Review status: criteria provided, single submitter. Criteria: Invitae Variant Classification Sherloc (09022015). Collection method: clinical testing. Allele origin: germline.
Comment: This sequence change replaces glutamine, which is neutral and polar, with arginine, which is basic and polar, at codon 412 of the PACS1 protein (p.Gln412Arg). This variant is not present in population databases (gnomAD no frequency). This variant has not been reported in the literature in individuals affected with PACS1-related conditions. Invitae Evidence Modeling of protein sequence and biophysical properties (such as structural, functional, and spatial information, amino acid conservation, physicochemical variation, residue mobility, and thermodynamic stability) has been performed for this missense variant. However, the output from this modeling did not meet the statistical confidence thresholds required to predict the impact of this variant on PACS1 protein function. In summary, the available evidence is currently insufficient to determine the role of this variant in disease. Therefore, it has been classified as a Variant of Uncertain Significance.

NM_018026.4(PACS1):c.1235A>G (p.Gln412Arg)

Gene: PACS1 (phosphofurin acidic cluster sorting protein 1; plus strand). Cytogenetic location: 11q13.2.
Variant type: single nucleotide variant.
Coding change: c.1235A>G on transcript NM_018026.4 (MANE Select); coding-DNA position 1235, A replaced by G.
Protein change: p.Gln412Arg; replaces glutamine 412 with arginine.
Molecular consequence: missense variant.
Genome position (GRCh38, 1-based): chr11:66,221,189, A>G. VCF-style: chr11-66221189-A-G. GRCh37 (hg19) VCF-style: chr11-65988660-A-G.
Other names: short protein forms Q412R.
Identifiers: ClinVar variation 4745068 (VCV004745068.1).